The following is an entry in ClinVar:

ClinVar aggregate classification (germline): Uncertain significance (0 of 4 stars; one submission).

Conditions:
PLEC-related disorder. Also called: PLEC-related condition; PLEC-related disorders.

Submission:

PreventionGenetics, part of Exact Sciences
Classification: Uncertain significance for PLEC-related condition. Last evaluated: 2024-06-27. Review status: no assertion criteria provided. Collection method: clinical testing. Allele origin: germline.
Comment: The PLEC c.4634C>T variant is predicted to result in the amino acid substitution p.Ala1545Val. This variant was reported in an individual with tetralogy of fallot (Supplementary Table S4, Okashah et al. 2022. PubMed ID: 36011280). This variant has not been reported in a large population database, indicating this variant is rare. At this time, the clinical significance of this variant is uncertain due to the absence of conclusive functional and genetic evidence.

NM_201384.3(PLEC):c.4553C>T (p.Ala1518Val)

Gene: PLEC (plectin; minus strand). Cytogenetic location: 8q24.3.
Variant type: single nucleotide variant.
Coding change: c.4553C>T on transcript NM_201384.3 (MANE Select); coding-DNA position 4553, C replaced by T.
Protein change: p.Ala1518Val; replaces alanine 1518 with valine.
Molecular consequence: missense variant. On other transcripts: intron variant (1).
Genome position (GRCh38, 1-based): chr8:143,925,376, G>A on the plus strand (C>T on the coding strand, the complement: PLEC is on the minus strand). VCF-style: chr8-143925376-G-A. GRCh37 (hg19) VCF-style: chr8-144999544-G-A.
Other names: c.4634C>T, p.Ala1545Val (NM_000445.5); c.4511C>T, p.Ala1504Val (NM_201378.4); c.4487C>T, p.Ala1496Val (NM_201379.3); c.4964C>T, p.Ala1655Val (NM_201380.4); c.4457C>T, p.Ala1486Val (NM_201381.3); c.4553C>T, p.Ala1518Val (NM_201382.4); c.4565C>T, p.Ala1522Val (NM_201383.3); c.4125+1408C>T (NM_001410941.1); short protein forms A1486V, A1496V, A1504V, A1518V, A1522V, A1545V, A1655V.
Identifiers: ClinVar variation 3345258 (VCV003345258.1).